The following is an entry in ClinVar:

ClinVar aggregate classification (germline): Likely benign. Review status: criteria provided, multiple submitters, no conflicts (2 of 4 stars). 2 submissions from 2 submitters: Likely benign (2). Last evaluated 2025-11-06.

Conditions:
X-linked myopathy with postural muscle atrophy. Also called: FHL1-Related Emery-Dreifuss Muscular Dystrophy, X-Linked. Identifiers: Orphanet 178461, MedGen C2678055, MONDO:0010401, OMIM 300696.

Allele frequency attached by ClinVar (database versions not stated): gnomAD 0.00001; ExAC 0.00002; gnomAD exomes 0.00002.
gnomAD v4.1: 19 of 1,209,633 alleles (0.0016%); highest among the groups gnomAD compares: Non-Finnish European, 0.002%; no homozygotes.

Submissions (2):

Labcorp Genetics (formerly Invitae), Labcorp
Classification: Likely benign for X-linked myopathy with postural muscle atrophy. Last evaluated: 2025-11-06. Review status: criteria provided, single submitter. Criteria: Invitae Variant Classification Sherloc (09022015). Collection method: clinical testing. Allele origin: germline.

Mayo Clinic Laboratories, Mayo Clinic
Classification: Likely benign. Last evaluated: 2025-02-04. Review status: criteria provided, single submitter. Criteria: ACMG Guidelines, 2015. Collection method: clinical testing. Allele origin: germline. Observed: 1 variant allele.
Comment: BS2, BP4, BP7

NM_001159699.2(FHL1):c.380-9C>A

Gene: FHL1 (four and a half LIM domains 1; plus strand). Cytogenetic location: Xq26.3.
Variant type: single nucleotide variant.
Coding change: c.380-9C>A on transcript NM_001159699.2 (MANE Select); 9 bases into the intron before coding-DNA position 380, C replaced by A.
Molecular consequence: intron variant.
Genome position (GRCh38, 1-based): chrX:136,207,783, C>A. VCF-style: chrX-136207783-C-A. GRCh37 (hg19) VCF-style: chrX-135289942-C-A.
Other names: p.?; c.332-9C>A (NM_001159702.3, NM_001449.5, NM_001159703.2 and 9 more transcripts); c.419-9C>A (NM_001159701.2); c.380-9C>A (NM_001330659.2).
Identifiers: ClinVar variation 1062137 (VCV001062137.6), dbSNP rs766762163, ClinGen allele CA10524998.